The following is an entry in ClinVar:

ClinVar aggregate classification (germline): Likely pathogenic (1 of 4 stars; one submission).

Conditions:
Charlevoix-Saguenay spastic ataxia (SACS). Also called: AUTOSOMAL RECESSIVE SPASTIC ATAXIA OF CHARLEVOIX-SAGUENAY; Spastic ataxia of Charlevoix-Saguenay; SPASTIC ATAXIA 6, AUTOSOMAL RECESSIVE. Identifiers: Orphanet 98, MedGen C1849140, MONDO:0010041, OMIM 270550.

Submission:

Natera, Inc.
Classification: Likely pathogenic for Charlevoix-Saguenay type spastic ataxia. Last evaluated: 2024-05-10. Review status: criteria provided, single submitter. Criteria: Natera Variant Classification Schema (03/2026). Collection method: clinical testing. Allele origin: germline.
Comment: The c.9730del variant in SACS is a frameshift variant predicted to shift the reading frame beginning at codon 3245 and leads to a stop codon 11 codons downstream. This variant is expected to result in nonsense mediated decay, truncation, or a dysfunctional protein product. This variant is rare in the general population with a frequency below the threshold expected for the associated phenotype(s). Given the available evidence, this variant is classified as Likely Pathogenic.

NM_014363.6(SACS):c.9730del (p.Lys3245fs)

Gene: SACS (sacsin molecular chaperone; minus strand). Cytogenetic location: 13q12.12.
Variant type: Deletion.
Coding change: c.9730del on transcript NM_014363.6 (MANE Select); coding-DNA position 9730, one base deleted (C; older notation c.9730delC).
Protein change: p.Lys3245fs; shifts the reading frame from lysine 3245.
Molecular consequence: frameshift variant.
Genome position (GRCh38, 1-based): chr13:23,334,146, G deleted on the plus strand (C on the coding strand, the reverse complement: SACS is on the minus strand). VCF-style (leftmost placement, unchanged base first): chr13-23334145-AG-A. GRCh37 (hg19) VCF-style: chr13-23908284-AG-A.
Other names: c.9289del, p.Lys3098fs (NM_001278055.2); c.9757del, p.Lys3254fs (NM_001437336.1); short protein forms K3098fs, K3245fs, K3254fs.
Identifiers: ClinVar variation 4815720 (VCV004815720.1).